The following is an entry in ClinVar:

ClinVar aggregate classification (germline): Pathogenic/Likely pathogenic. Review status: criteria provided, multiple submitters, no conflicts (2 of 4 stars). 2 submissions from 2 submitters: Pathogenic (1); Likely pathogenic (1). Last evaluated 2023-02-24.

Conditions:
Marfan syndrome (MFS). Also called: Marfan syndrome, classic; FBN1-Related Marfan Syndrome; Marfan syndrome type 1; Marfan's syndrome; MARFAN SYNDROME, TYPE I. Identifiers: Orphanet 284963, Orphanet 558, MedGen C0024796, MONDO:0007947, OMIM 154700.

Submissions (2):

Institute of Human Genetics, Cologne University
Classification: Likely pathogenic for Marfan syndrome. Last evaluated: 2023-02-24. Review status: criteria provided, single submitter. Criteria: ACMG Guidelines, 2015. Collection method: clinical testing. Allele origin: germline. Affected: yes.

GeneDx
Classification: Pathogenic. Last evaluated: 2014-05-03. Review status: criteria provided, single submitter. Criteria: GeneDx Variant Classification (06012015). Collection method: clinical testing. Allele origin: germline. Affected: yes.
Comment: Additionally, mutations in nearby residues (C2083F, C2084S, C2084W, C2084Y, C2085R, C2099F, C2099W, C2099Y, P2100S, T2101K) have been reported in association with Marfan syndrome or other FBN1-related disorder, further supporting the functional importance of this residue and this region of the protein. W2092R results in a non-conservative amino acid substitution of Arginine at a position that is conserved across species. In silico analysis predicts this variant is probably damaging to the protein structure/function. Furthermore, the W2092R mutation was not observed inapproximately 6,500 individuals of European and African American ancestry in the NHLBI Exome Sequencing Project, indicating it is not a common benign variant in these populations. In summary, W2092R in the FBN1 gene is interpreted as a disease-causing mutation. The variant is found in TAAD panel(s).

NM_000138.5(FBN1):c.6274T>C (p.Trp2092Arg)

Gene: FBN1 (fibrillin 1; minus strand). Cytogenetic location: 15q21.1.
Variant type: single nucleotide variant.
Coding change: c.6274T>C on transcript NM_000138.5 (MANE Select); coding-DNA position 6274, T replaced by C.
Protein change: p.Trp2092Arg; replaces tryptophan 2092 with arginine.
Molecular consequence: missense variant.
Genome position (GRCh38, 1-based): chr15:48,437,807, A>G on the plus strand (T>C on the coding strand, the complement: FBN1 is on the minus strand). VCF-style: chr15-48437807-A-G. GRCh37 (hg19) VCF-style: chr15-48730004-A-G.
Other names: p.W2092R:TGG>CGG; short protein forms W2092R.
Identifiers: ClinVar variation 200079 (VCV000200079.3), dbSNP rs794728246, ClinGen allele CA016311.